The following is an entry in ClinVar:

NM_012243.3(SLC35A3):c.385G>A (p.Val129Met)

Gene: SLC35A3 (solute carrier family 35 member A3; plus strand). Cytogenetic location: 1p21.2.
Variant type: single nucleotide variant.
Coding change: c.385G>A on transcript NM_012243.3 (MANE Select); coding-DNA position 385, G replaced by A.
Protein change: p.Val129Met; replaces valine 129 with methionine.
Molecular consequence: missense variant. On other transcripts: intron variant (3).
Genome position (GRCh38, 1-based): chr1:100,007,076, G>A. VCF-style: chr1-100007076-G-A. GRCh37 (hg19) VCF-style: chr1-100472632-G-A.
Other names: c.385G>A, p.Val129Met (NM_001271684.2, NM_001438725.1, NM_001438728.1); c.511G>A, p.Val171Met (NM_001271685.2); c.343-4289G>A (NM_001437717.1, NM_001437713.1, NM_001438729.1); short protein forms V129M, V171M.
Identifiers: ClinVar variation 5004946 (VCV005004946.2).

ClinVar aggregate classification (germline): Uncertain significance (1 of 4 stars; one submission).

Conditions:
Autism spectrum disorder - epilepsy - arthrogryposis syndrome (AMRS). Identifiers: Orphanet 370943, MedGen C3809910, MONDO:0014248, OMIM 615553.

Submission:

Juno Genomics, Hangzhou Juno Genomics, Inc
Classification: Uncertain significance for Autism spectrum disorder - epilepsy - arthrogryposis syndrome. Review status: criteria provided, single submitter. Criteria: ACMG Guidelines, 2015. Collection method: clinical testing. Allele origin: germline.
Comment: Absent from controls (or at extremely low frequency if recessive) in Genome Aggregation Database.;Multiple lines of computational evidence support a deleterious effect on the gene or gene product.